The following is an entry in ClinVar:

ClinVar aggregate classification (germline): Uncertain significance (1 of 4 stars; one submission).

Conditions:
Autosomal recessive spinocerebellar ataxia 12. Also called: SPINOCEREBELLAR ATAXIA WITH MENTAL RETARDATION AND EPILEPSY. Identifiers: Orphanet 284282, MedGen C3280452, MONDO:0013687, OMIM 614322.
Developmental and epileptic encephalopathy, 1 (DEE1). Also called: X-linked infantile spasms; West's syndrome; Tonic spasms with clustering, arrest of psychomotor development and hypsarrhythmia on EEG; X-Linked Infantile Spasm Syndrome; OHTAHARA SYNDROME, X-LINKED; INFANTILE SPASM SYNDROME, X-LINKED 1. Identifiers: MedGen C3463992, MONDO:0010632, OMIM 308350. Disease mechanism: loss of function.

Allele frequency attached by ClinVar (database versions not stated): gnomAD below 0.00001 and 0.00001.
gnomAD v4.1: 2 of 1,614,070 alleles (0.00012%); highest among the groups gnomAD compares: South Asian, 0.0022%; no homozygotes.

Submission:

Labcorp Genetics (formerly Invitae), Labcorp
Classification: Uncertain significance for Developmental and epileptic encephalopathy, 1; Autosomal recessive spinocerebellar ataxia 12. Last evaluated: 2019-06-25. Review status: criteria provided, single submitter. Criteria: Invitae Variant Classification Sherloc (09022015). Collection method: clinical testing. Allele origin: germline.
Comment: This sequence change replaces leucine with isoleucine at codon 117 of the WWOX protein (p.Leu117Ile). The leucine residue is moderately conserved and there is a small physicochemical difference between leucine and isoleucine. This variant is not present in population databases (ExAC no frequency). This variant has not been reported in the literature in individuals with WWOX-related disease. Algorithms developed to predict the effect of missense changes on protein structure and function are either unavailable or do not agree on the potential impact of this missense change (SIFT: "Tolerated"; PolyPhen-2: "Possibly Damaging"; Align-GVGD: "Class C0"). In summary, the available evidence is currently insufficient to determine the role of this variant in disease. Therefore, it has been classified as a Variant of Uncertain Significance.

NM_016373.4(WWOX):c.349C>A (p.Leu117Ile)

Gene: WWOX (WW domain containing oxidoreductase; plus strand). Cytogenetic location: 16q23.1.
Variant type: single nucleotide variant.
Coding change: c.349C>A on transcript NM_016373.4 (MANE Select); coding-DNA position 349, C replaced by A.
Protein change: p.Leu117Ile; replaces leucine 117 with isoleucine.
Molecular consequence: missense variant. On other transcripts: non-coding transcript variant (1).
Genome position (GRCh38, 1-based): chr16:78,115,094, C>A. VCF-style: chr16-78115094-C-A. GRCh37 (hg19) VCF-style: chr16-78148991-C-A.
Other names: c.10C>A, p.Leu4Ile (NM_001291997.2); c.349C>A, p.Leu117Ile (NM_130791.5); short protein forms L117I, L4I.
Identifiers: ClinVar variation 665532 (VCV000665532.9), dbSNP rs1397160477, ClinGen allele CA396842518.